The following is an entry in ClinVar:

NM_001286.5(CLCN6):c.283G>T (p.Gly95Cys)

Gene: CLCN6 (chloride voltage-gated channel 6; plus strand). Cytogenetic location: 1p36.22.
Variant type: single nucleotide variant.
Coding change: c.283G>T on transcript NM_001286.5 (MANE Select); coding-DNA position 283, G replaced by T.
Protein change: p.Gly95Cys; replaces glycine 95 with cysteine.
Molecular consequence: missense variant. On other transcripts: non-coding transcript variant (1).
Genome position (GRCh38, 1-based): chr1:11,819,491, G>T. VCF-style: chr1-11819491-G-T. GRCh37 (hg19) VCF-style: chr1-11879548-G-T.
Other names: c.217G>T, p.Gly73Cys (NM_001256959.2); short protein forms G73C, G95C.
Identifiers: ClinVar variation 2813989 (VCV002813989.3), dbSNP rs1644714393, ClinGen allele CA338426469.

ClinVar aggregate classification (germline): Uncertain significance (1 of 4 stars; one submission).

Allele frequency attached by ClinVar (database versions not stated): gnomAD exomes below 0.00001.
gnomAD v4.1: 5 of 1,613,968 alleles (0.00031%); highest among the groups gnomAD compares: Non-Finnish European, 0.00042%; no homozygotes.

Submission:

Labcorp Genetics (formerly Invitae), Labcorp
Classification: Uncertain significance. Last evaluated: 2023-09-18. Review status: criteria provided, single submitter. Criteria: Invitae Variant Classification Sherloc (09022015). Collection method: clinical testing. Allele origin: germline.
Comment: In summary, the available evidence is currently insufficient to determine the role of this variant in disease. Therefore, it has been classified as a Variant of Uncertain Significance. Algorithms developed to predict the effect of sequence changes on RNA splicing suggest that this variant may create or strengthen a splice site. An algorithm developed to predict the effect of missense changes on protein structure and function (PolyPhen-2) suggests that this variant is likely to be disruptive. This variant has not been reported in the literature in individuals affected with CLCN6-related conditions. This variant is not present in population databases (gnomAD no frequency). This sequence change replaces glycine, which is neutral and non-polar, with cysteine, which is neutral and slightly polar, at codon 95 of the CLCN6 protein (p.Gly95Cys).